The following is an entry in ClinVar:

NM_004304.5(ALK):c.3938+2T>C

Gene: ALK (ALK receptor tyrosine kinase; minus strand). Cytogenetic location: 2p23.2.
Variant type: single nucleotide variant.
Coding change: c.3938+2T>C on transcript NM_004304.5 (MANE Select); the canonical splice donor site of the intron after coding-DNA position 3938, T replaced by C.
Molecular consequence: splice donor variant.
Genome position (GRCh38, 1-based): chr2:29,207,169, A>G on the plus strand (T>C on the coding strand, the complement: ALK is on the minus strand). VCF-style: chr2-29207169-A-G. GRCh37 (hg19) VCF-style: chr2-29430035-A-G.
Other names: c.734+2T>C (NM_001353765.2).
Identifiers: ClinVar variation 1993219 (VCV001993219.4), dbSNP rs2465902436, ClinGen allele CA346468410.

ClinVar aggregate classification (germline): Uncertain significance (1 of 4 stars; one submission).

Conditions:
Neuroblastoma, susceptibility to, 3. Also called: ALK-Related Neuroblastic Tumor Susceptibility. Identifiers: Orphanet 635, MedGen C2751681, MONDO:0013083, OMIM 613014.

Submission:

Labcorp Genetics (formerly Invitae), Labcorp
Classification: Uncertain significance for Neuroblastoma, susceptibility to, 3. Last evaluated: 2022-07-30. Review status: criteria provided, single submitter. Criteria: Invitae Variant Classification Sherloc (09022015). Collection method: clinical testing. Allele origin: germline.
Comment: In summary, the available evidence is currently insufficient to determine the role of this variant in disease. Therefore, it has been classified as a Variant of Uncertain Significance. Algorithms developed to predict the effect of sequence changes on RNA splicing suggest that this variant may disrupt the consensus splice site. This variant has not been reported in the literature in individuals affected with ALK-related conditions. This variant is not present in population databases (gnomAD no frequency). This sequence change affects a donor splice site in intron 26 of the ALK gene. It is expected to disrupt RNA splicing. Variants that disrupt the donor or acceptor splice site typically lead to a loss of protein function (PMID: 16199547), however the current clinical and genetic evidence is not sufficient to establish whether loss-of-function variants in ALK cause disease.

Literature cited by the submitters: PubMed 16199547.